The following is an entry in ClinVar:

NM_020975.6(RET):c.367C>A (p.Leu123Ile)

Gene: RET (ret proto-oncogene; plus strand). Cytogenetic location: 10q11.21.
Variant type: single nucleotide variant.
Coding change: c.367C>A on transcript NM_020975.6 (MANE Select); coding-DNA position 367, C replaced by A.
Protein change: p.Leu123Ile; replaces leucine 123 with isoleucine.
Molecular consequence: missense variant. On other transcripts: intron variant (22).
Genome position (GRCh38, 1-based): chr10:43,102,371, C>A. VCF-style: chr10-43102371-C-A. GRCh37 (hg19) VCF-style: chr10-43597819-C-A.
Other names: c.367C>A, p.Leu123Ile (NM_000323.2, NM_001406743.1, NM_001406744.1 and 16 more transcripts); c.338-100C>A (NM_001406761.1, NM_001406768.1, NM_001406774.1 and 4 more transcripts); c.337+1649C>A (NM_001406770.1, NM_001406766.1, NM_001406767.1 and 8 more transcripts); c.74-6660C>A (NM_001406784.1); c.74-9728C>A (NM_001406794.1, NM_001406792.1, NM_001406793.1); short protein forms L123I.
Identifiers: ClinVar variation 2759155 (VCV002759155.3), dbSNP rs2132678198, ClinGen allele CA376770673.
Genomic context (GRCh38, chr10:43,102,371, plus strand): 5'-ATGCCCCCACAGACCTGACTTCTCTCTGCAGACCGCGGCTTTCCCCTGCTCACCGTCTAC[C>A]TCAAGGTCTTCCTGTCACCCACATCCCTTCGTGAGGGCGAGTGCCAGTGGCCAGGCTGTG-3'
Protein context (NP_066124.1, residues 113-133): NRGFPLLTVY[Leu123Ile]KVFLSPTSLR

ClinVar aggregate classification (germline): Uncertain significance (1 of 4 stars; one submission).

Conditions:
Multiple endocrine neoplasia, type 2 (MEN2). Identifiers: Orphanet 653, MedGen C4048306, MONDO:0019003. Disease mechanism: gain of function.

Submission:

Labcorp Genetics (formerly Invitae), Labcorp
Classification: Uncertain significance for Multiple endocrine neoplasia, type 2. Last evaluated: 2023-09-08. Review status: criteria provided, single submitter. Criteria: Invitae Variant Classification Sherloc (09022015). Collection method: clinical testing. Allele origin: germline.
Comment: This variant has not been reported in the literature in individuals affected with RET-related conditions. In summary, the available evidence is currently insufficient to determine the role of this variant in disease. Therefore, it has been classified as a Variant of Uncertain Significance. An algorithm developed to predict the effect of missense changes on protein structure and function (PolyPhen-2) suggests that this variant is likely to be tolerated. This variant is not present in population databases (gnomAD no frequency). This sequence change replaces leucine, which is neutral and non-polar, with isoleucine, which is neutral and non-polar, at codon 123 of the RET protein (p.Leu123Ile).